The following is an entry in ClinVar:

ClinVar aggregate classification (germline): Uncertain significance (1 of 4 stars; one submission).

Conditions:
RYR1-related disorder. Also called: RYR1-related condition; RYR1-related disorders. Identifiers: MedGen CN239331.

Allele frequency attached by ClinVar (database versions not stated): gnomAD exomes below 0.00001; gnomAD 0.00001; TOPMed 0.00002.
gnomAD v4.1: 2 of 1,613,598 alleles (0.00012%); highest among the groups gnomAD compares: African/African-American, 0.0013%; no homozygotes.

Submission:

Labcorp Genetics (formerly Invitae), Labcorp
Classification: Uncertain significance for RYR1-related disorder. Last evaluated: 2021-09-21. Review status: criteria provided, single submitter. Criteria: Invitae Variant Classification Sherloc (09022015). Collection method: clinical testing. Allele origin: germline.
Comment: This variant has not been reported in the literature in individuals affected with RYR1-related conditions. Advanced modeling of protein sequence and biophysical properties (such as structural, functional, and spatial information, amino acid conservation, physicochemical variation, residue mobility, and thermodynamic stability) performed at Invitae indicates that this missense variant is not expected to disrupt RYR1 protein function. In summary, the available evidence is currently insufficient to determine the role of this variant in disease. Therefore, it has been classified as a Variant of Uncertain Significance. This sequence change replaces arginine with glutamine at codon 2918 of the RYR1 protein (p.Arg2918Gln). The arginine residue is highly conserved and there is a small physicochemical difference between arginine and glutamine. This variant is not present in population databases (ExAC no frequency).

NM_000540.3(RYR1):c.8753G>A (p.Arg2918Gln)

Gene: RYR1 (ryanodine receptor 1; plus strand). Cytogenetic location: 19q13.2.
Variant type: single nucleotide variant.
Coding change: c.8753G>A on transcript NM_000540.3 (MANE Select); coding-DNA position 8753, G replaced by A.
Protein change: p.Arg2918Gln; replaces arginine 2918 with glutamine.
Molecular consequence: missense variant.
Genome position (GRCh38, 1-based): chr19:38,506,889, G>A. VCF-style: chr19-38506889-G-A. GRCh37 (hg19) VCF-style: chr19-38997529-G-A.
Other names: c.8753G>A, p.Arg2918Gln (NM_001042723.2); short protein forms R2918Q.
Identifiers: ClinVar variation 1412929 (VCV001412929.6), dbSNP rs1275833910, ClinGen allele CA405681067.